The following is an entry in ClinVar:

ClinVar aggregate classification (germline): Pathogenic (1 of 4 stars; one submission).

Conditions:
RYR1-related myopathy. Identifiers: Orphanet 98742, MedGen CN305348, MONDO:0100150.

Submission:

Victorian Clinical Genetics Services, Murdoch Childrens Research Institute
Classification: Pathogenic for RYR1-related myopathy. Last evaluated: 2023-07-16. Review status: criteria provided, single submitter. Criteria: ACMG Guidelines, 2015. Collection method: clinical testing. Allele origin: germline. Affected: yes.
Comment: Based on the classification scheme VCGS_Germline_v1.3.4, this variant is classified as Pathogenic. Following criteria are met: 0103 - Loss of function and gain of function are known mechanisms of disease in this gene and are associated with RYR1-related disorders (OMIM). Gain of function mechanism has been described in the context of malignant hyperthermia susceptibility (MIM#145600) and monoallelic central core disease and congenital neuromuscular disease with uniform type 1 fiber (MIM#117000). Biallelic central core disease, congenital neuromuscular disease with uniform type 1 fiber (MIM#117000) and minicore myopathy with external ophthalmoplegia (MIM#255320) are associated with a loss of function mechanism (PMIDs: 27855725, 23919265). (I) 0108 - This gene is associated with both recessive and dominant disease (OMIM). (I) 0201 - Variant is predicted to cause nonsense-mediated decay (NMD) and loss of protein (premature termination codon is located at least 54 nucleotides upstream of the final exon-exon junction). (SP) 0251 - This variant is heterozygous. (I) 0301 - Variant is absent from gnomAD (both v2 and v3). (SP) 0701 - Other NMD-predicted variants comparable to the one identified in this case have very strong previous evidence for pathogenicity. These variants have been reported many times as pathogenic, and observed in compound heterozygous or homozygous individuals with congenital myopathy or congenital fiber type disproportion (ClinVar, DECIPHER, PMID: 20583297). Recently, heterozygous individuals were identified with mild muscle weakness (PMID: 35428369). (SP) 0807 - This variant has no previous evidence of pathogenicity. (I) 0905 - No published segregation evidence has been identified for this variant. (I) 1007 - No published functional evidence has been identified for this variant. (I) 1208 - Inheritance information for this variant is not currently available in this individual. (I) Legend: (SP) - Supporting pathogenic, (I) - Information, (SB) - Supporting benign

Literature cited by the submitters: PubMed 20583297; PubMed 23919265; PubMed 27855725; PubMed 35428369.

NM_000540.3(RYR1):c.7706_7707del (p.Phe2569fs)

Gene: RYR1 (ryanodine receptor 1; plus strand). Cytogenetic location: 19q13.2.
Variant type: Deletion.
Coding change: c.7706_7707del on transcript NM_000540.3 (MANE Select); coding-DNA positions 7706 to 7707, 2 bases deleted (TT; older notation c.7706_7707delTT).
Protein change: p.Phe2569fs; shifts the reading frame from phenylalanine 2569.
Molecular consequence: frameshift variant.
Genome position (GRCh38, 1-based): chr19:38,502,598-38,502,599, TT deleted; deleting any 2 consecutive bases within chr19:38,502,597-38,502,599 gives the same sequence; the c. name uses the placement nearest the transcript's 3' end. VCF-style (leftmost placement, unchanged base first): chr19-38502596-CTT-C. GRCh37 (hg19) VCF-style: chr19-38993236-CTT-C.
Other names: c.7706_7707del, p.Phe2569fs (NM_001042723.2); short protein forms F2569fs.
Identifiers: ClinVar variation 3376786 (VCV003376786.1).
Genomic context (GRCh38, chr19:38,502,596, plus strand): 5'-GGCGCTGAACCGCTACCTGTGCCTGGCCGTGCTGCCGCTCATCACCAAGTGTGCGCCGCT[CTT>C]TGCGGGCACAGAACACCGCGCCATCATGGTGGACTCTATGCTGCATACCGTGTACCGCCT-3'